The following is an entry in ClinVar:

NM_181078.3(IL21R):c.607G>A (p.Gly203Arg)

Gene: IL21R (interleukin 21 receptor; plus strand). Cytogenetic location: 16p12.1.
Variant type: single nucleotide variant.
Coding change: c.607G>A on transcript NM_181078.3 (MANE Select); coding-DNA position 607, G replaced by A.
Protein change: p.Gly203Arg; replaces glycine 203 with arginine.
Molecular consequence: missense variant.
Genome position (GRCh38, 1-based): chr16:27,444,641, G>A. VCF-style: chr16-27444641-G-A. GRCh37 (hg19) VCF-style: chr16-27455962-G-A.
Other names: c.607G>A, p.Gly203Arg (NM_021798.4); c.673G>A, p.Gly225Arg (NM_181079.5); short protein forms G203R, G225R.
Identifiers: ClinVar variation 1371359 (VCV001371359.5), dbSNP rs1430665419, ClinGen allele CA395303727.

ClinVar aggregate classification (germline): Uncertain significance (1 of 4 stars; one submission).

Conditions:
Cryptosporidiosis-chronic cholangitis-liver disease syndrome. Also called: Immunodeficiency type 56; IL21R immunodeficiency. Identifiers: Orphanet 357329, MedGen C3554687, MONDO:0014082, OMIM 615207.

Allele frequency attached by ClinVar (database versions not stated): gnomAD exomes below 0.00001; gnomAD 0.00001; TOPMed 0.00002.
gnomAD v4.1: 4 of 1,588,504 alleles (0.00025%); highest among the groups gnomAD compares: Middle Eastern, 0.017%; no homozygotes.

Submission:

Labcorp Genetics (formerly Invitae), Labcorp
Classification: Uncertain significance for Cryptosporidiosis-chronic cholangitis-liver disease syndrome. Last evaluated: 2024-10-24. Review status: criteria provided, single submitter. Criteria: Invitae Variant Classification Sherloc (09022015). Collection method: clinical testing. Allele origin: germline.
Comment: This sequence change replaces glycine, which is neutral and non-polar, with arginine, which is basic and polar, at codon 203 of the IL21R protein (p.Gly203Arg). This variant is present in population databases (no rsID available, gnomAD 0.01%). This variant has not been reported in the literature in individuals affected with IL21R-related conditions. ClinVar contains an entry for this variant (Variation ID: 1371359). Invitae Evidence Modeling of protein sequence and biophysical properties (such as structural, functional, and spatial information, amino acid conservation, physicochemical variation, residue mobility, and thermodynamic stability) indicates that this missense variant is not expected to disrupt IL21R protein function with a negative predictive value of 80%. In summary, the available evidence is currently insufficient to determine the role of this variant in disease. Therefore, it has been classified as a Variant of Uncertain Significance.